The following is an entry in ClinVar:

ClinVar aggregate classification (germline): Uncertain significance (1 of 4 stars; one submission).

Conditions:
Hereditary cancer-predisposing syndrome. Also called: Neoplastic Syndromes, Hereditary; Tumor predisposition; Hereditary neoplastic syndrome; Hereditary Cancer Syndrome. Identifiers: Orphanet 140162, MedGen C0027672, MeSH D009386, MONDO:0015356.

Submission:

Ambry Genetics
Classification: Uncertain significance for Hereditary cancer-predisposing syndrome. Last evaluated: 2026-07-04. Review status: criteria provided, single submitter. Criteria: Ambry Variant Classification Scheme 2023. Collection method: clinical testing. Allele origin: germline.
Comment: The p.P57S variant (also known as c.169C>T), located in coding exon 1 of the SMARCA4 gene, results from a C to T substitution at nucleotide position 169. The proline at codon 57 is replaced by serine, an amino acid with similar properties. This amino acid position is conserved. In addition, this alteration is predicted to be tolerated by in silico analysis. Based on the available evidence, the clinical significance of this variant remains unclear.

NM_003072.5(SMARCA4):c.169C>T (p.Pro57Ser)

Gene: SMARCA4 (SWI/SNF related BAF chromatin remodeling complex subunit ATPase 4; plus strand). Cytogenetic location: 19p13.2.
Variant type: single nucleotide variant.
Coding change: c.169C>T on transcript NM_003072.5 (MANE Select); coding-DNA position 169, C replaced by T.
Protein change: p.Pro57Ser; replaces proline 57 with serine.
Molecular consequence: missense variant. On other transcripts: non-coding transcript variant (1).
Genome position (GRCh38, 1-based): chr19:10,984,320, C>T. VCF-style: chr19-10984320-C-T. GRCh37 (hg19) VCF-style: chr19-11094996-C-T.
Other names: c.169C>T, p.Pro57Ser (NM_001128846.2, NM_001128847.4, NM_001128848.2 and 6 more transcripts); short protein forms P57S.
Identifiers: ClinVar variation 5029822 (VCV005029822.1).
Genomic context (GRCh38, chr19:10,984,320, plus strand): 5'-GGCTCCGCCCACAGCATGATGGGGCCCAGCCCAGGGCCGCCCTCAGCAGGACACCCCATC[C>T]CCACCCAGGGGCCTGGAGGGTACCCTCAGGACAACATGCACCAGATGCACAAGGTAGGGA-3'
Protein context (NP_003063.2, residues 47-67): PGPPSAGHPI[Pro57Ser]TQGPGGYPQD